The following is an entry in ClinVar:

NM_000094.4(COL7A1):c.5212C>A (p.Leu1738Ile)

Gene: COL7A1 (collagen type VII alpha 1 chain; minus strand). Cytogenetic location: 3p21.31.
Variant type: single nucleotide variant.
Coding change: c.5212C>A on transcript NM_000094.4 (MANE Select); coding-DNA position 5212, C replaced by A.
Protein change: p.Leu1738Ile; replaces leucine 1738 with isoleucine.
Molecular consequence: missense variant.
Genome position (GRCh38, 1-based): chr3:48,579,611, G>T on the plus strand (C>A on the coding strand, the complement: COL7A1 is on the minus strand). VCF-style: chr3-48579611-G-T. GRCh37 (hg19) VCF-style: chr3-48617044-G-T.
Other names: short protein forms L1738I.
Identifiers: ClinVar variation 2834844 (VCV002834844.3), dbSNP rs2531063682, ClinGen allele CA352677267.
Genomic context (GRCh38, chr3:48,579,611, plus strand): 5'-TCCCATGCCTGCACCCCCGAGGACCAATCACACTCACCCTTTCCCCAGGGGCTCCAGGGA[G>T]GCCAGGATCACCCTTGGGCCCTCGAGGACCCTCTTGTCCGCGGTCCCCAGGCTCTCCCTG-3'
Protein context (NP_000085.1, residues 1728-1748): GPRGPKGDPG[Leu1738Ile]PGAPGERGIE

ClinVar aggregate classification (germline): Uncertain significance (1 of 4 stars; one submission).

Submission:

Labcorp Genetics (formerly Invitae), Labcorp
Classification: Uncertain significance. Last evaluated: 2023-02-05. Review status: criteria provided, single submitter. Criteria: Invitae Variant Classification Sherloc (09022015). Collection method: clinical testing. Allele origin: germline.
Comment: This variant has not been reported in the literature in individuals affected with COL7A1-related conditions. This variant is not present in population databases (gnomAD no frequency). This sequence change replaces leucine, which is neutral and non-polar, with isoleucine, which is neutral and non-polar, at codon 1738 of the COL7A1 protein (p.Leu1738Ile). Advanced modeling of protein sequence and biophysical properties (such as structural, functional, and spatial information, amino acid conservation, physicochemical variation, residue mobility, and thermodynamic stability) performed at Invitae indicates that this missense variant is not expected to disrupt COL7A1 protein function. In summary, the available evidence is currently insufficient to determine the role of this variant in disease. Therefore, it has been classified as a Variant of Uncertain Significance.